The following is an entry in ClinVar:

NM_001844.5(COL2A1):c.3598-3C>G

Gene: COL2A1 (collagen type II alpha 1 chain; minus strand). Cytogenetic location: 12q13.11.
Variant type: single nucleotide variant.
Coding change: c.3598-3C>G on transcript NM_001844.5 (MANE Select); 3 bases into the intron before coding-DNA position 3598, C replaced by G.
Molecular consequence: intron variant.
Genome position (GRCh38, 1-based): chr12:47,975,608, G>C on the plus strand (C>G on the coding strand, the complement: COL2A1 is on the minus strand). VCF-style: chr12-47975608-G-C. GRCh37 (hg19) VCF-style: chr12-48369391-G-C.
Other names: c.3391-3C>G (NM_033150.3).
Identifiers: ClinVar variation 1436773 (VCV001436773.6), dbSNP rs1210989012, ClinGen allele CA2573148601.

ClinVar aggregate classification (germline): Uncertain significance (1 of 4 stars; one submission).

Submission:

Labcorp Genetics (formerly Invitae), Labcorp
Classification: Uncertain significance. Last evaluated: 2022-11-28. Review status: criteria provided, single submitter. Criteria: Invitae Variant Classification Sherloc (09022015). Collection method: clinical testing. Allele origin: germline.
Comment: This sequence change falls in intron 50 of the COL2A1 gene. It does not directly change the encoded amino acid sequence of the COL2A1 protein. It affects a nucleotide within the consensus splice site. This variant is not present in population databases (gnomAD no frequency). This variant has not been reported in the literature in individuals affected with COL2A1-related conditions. ClinVar contains an entry for this variant (Variation ID: 1436773). Variants that disrupt the consensus splice site are a relatively common cause of aberrant splicing (PMID: 17576681, 9536098). Algorithms developed to predict the effect of sequence changes on RNA splicing suggest that this variant may create or strengthen a splice site. In summary, the available evidence is currently insufficient to determine the role of this variant in disease. Therefore, it has been classified as a Variant of Uncertain Significance.

Literature cited by the submitters: PubMed 17576681; PubMed 9536098.